The following is an entry in ClinVar:

NM_002941.4(ROBO1):c.3800C>A (p.Pro1267Gln)

Gene: ROBO1 (roundabout guidance receptor 1; minus strand). Cytogenetic location: 3p12.3.
Variant type: single nucleotide variant.
Coding change: c.3800C>A on transcript NM_002941.4 (MANE Select); coding-DNA position 3800, C replaced by A.
Protein change: p.Pro1267Gln; replaces proline 1267 with glutamine.
Molecular consequence: missense variant.
Genome position (GRCh38, 1-based): chr3:78,627,396, G>T on the plus strand (C>A on the coding strand, the complement: ROBO1 is on the minus strand). VCF-style: chr3-78627396-G-T. GRCh37 (hg19) VCF-style: chr3-78676546-G-T.
Other names: c.3500C>A, p.Pro1167Gln (NM_001145845.2); c.3665C>A, p.Pro1222Gln (NM_133631.4); short protein forms P1167Q, P1222Q, P1267Q.
Identifiers: ClinVar variation 995987 (VCV000995987.1), dbSNP rs1704874919, ClinGen allele CA353650171.
Genomic context (GRCh38, chr3:78,627,396, plus strand): 5'-TGCTGCATGTGGCCAGTCTCCTCTGGACAATCCTGTAACATGGGCTGGAGTTCTTCCTGT[G>T]GGGAGGGAGTCAGAGTGGCAGTGGACTGATGGCTATAGGACACGGCAGCTGGAGAAGAAG-3'
Protein context (NP_002932.1, residues 1257-1277): HQSTATLTPS[Pro1267Gln]QEELQPMLQD

ClinVar aggregate classification (germline): Uncertain significance (1 of 4 stars; one submission).

Conditions:
Intellectual disability. Also called: Intellectual functioning disability; intellectual disabilities; Intellectual developmental disorder. Identifiers: MedGen C3714756, MeSH D008607, MONDO:0001071, HP:0001249.

Submission:

Institute of Human Genetics, University of Leipzig Medical Center
Classification: Uncertain significance for Intellectual disability. Last evaluated: 2021-01-09. Review status: criteria provided, single submitter. Criteria: ACMG Guidelines, 2015. Collection method: curation. Allele origin: de novo. Inheritance: Autosomal dominant inheritance. Affected: yes.
Comment: This variant was reported as 3 78676546 G T in an individual (DDD4K.00642) with NDD (PMID: 28135719 (mcrae2017)). Inheritance was reported as dominant (heterozygous) (de novo). The variant was reviewed according to current ACMG recommendations and classified as Uncertain Significance (criteria: PS2_Moderate, PM2_Supporting, PP3_Supporting) at the variant level; the gene-disease association is currently not established in curated databases.

Literature cited by the submitters: PubMed 28135719.